The following is an entry in ClinVar:

NM_012120.3(CD2AP):c.1358C>T (p.Pro453Leu)

Gene: CD2AP (CD2 associated protein; plus strand). Cytogenetic location: 6p12.3.
Variant type: single nucleotide variant.
Coding change: c.1358C>T on transcript NM_012120.3 (MANE Select); coding-DNA position 1358, C replaced by T.
Protein change: p.Pro453Leu; replaces proline 453 with leucine.
Molecular consequence: missense variant.
Genome position (GRCh38, 1-based): chr6:47,599,384, C>T. VCF-style: chr6-47599384-C-T. GRCh37 (hg19) VCF-style: chr6-47567120-C-T.
Other names: c.1358C>T (NM_012120.2); short protein forms P453L.
Identifiers: ClinVar variation 2071352 (VCV002071352.6), dbSNP rs139390657, ClinGen allele CA137922062.

ClinVar aggregate classification (germline): Uncertain significance. Review status: criteria provided, multiple submitters, no conflicts (2 of 4 stars). 3 submissions from 3 submitters: Uncertain significance (3). Last evaluated 2025-06-12.

Conditions:
Inborn genetic diseases. Identifiers: MedGen C0950123, MeSH D030342.
Focal segmental glomerulosclerosis 3, susceptibility to (FSGS3). Identifiers: Orphanet 656, MedGen C1842982, MONDO:0011917, OMIM 607832.

Allele frequency attached by ClinVar (database versions not stated): gnomAD 0.00001; TOPMed 0.00004; ESP Exome Variant Server 0.00015.
gnomAD v4.1: 3 of 1,611,954 alleles (0.00019%); highest among the groups gnomAD compares: African/African-American, 0.0027%; no homozygotes.

Submissions (3):

Labcorp Genetics (formerly Invitae), Labcorp
Classification: Uncertain significance. Last evaluated: 2025-06-12. Review status: criteria provided, single submitter. Criteria: Invitae Variant Classification Sherloc (09022015). Collection method: clinical testing. Allele origin: germline.
Comment: This sequence change replaces proline, which is neutral and non-polar, with leucine, which is neutral and non-polar, at codon 453 of the CD2AP protein (p.Pro453Leu). This variant is not present in population databases (gnomAD no frequency). This variant has not been reported in the literature in individuals affected with CD2AP-related conditions. ClinVar contains an entry for this variant (Variation ID: 2071352). An algorithm developed to predict the effect of missense changes on protein structure and function (PolyPhen-2) suggests that this variant is likely to be tolerated. In summary, the available evidence is currently insufficient to determine the role of this variant in disease. Therefore, it has been classified as a Variant of Uncertain Significance.

Ambry Genetics
Classification: Uncertain significance for Inborn genetic diseases. Last evaluated: 2024-12-09. Review status: criteria provided, single submitter. Criteria: Ambry Variant Classification Scheme 2023. Collection method: clinical testing. Allele origin: germline.

Fulgent Genetics
Classification: Uncertain significance for Focal segmental glomerulosclerosis 3, susceptibility to. Last evaluated: 2024-05-30. Review status: criteria provided, single submitter. Criteria: ACMG Guidelines, 2015. Collection method: clinical testing. Allele origin: germline.